The following is an entry in ClinVar:

ClinVar aggregate classification (germline): Uncertain significance (1 of 4 stars; one submission).

Conditions:
Lafora disease. Also called: Epilepsy progressive myoclonic 2. Identifiers: Orphanet 501, MedGen C0751783, MONDO:0009697.

Allele frequency attached by ClinVar (database versions not stated): TOPMed below 0.00001.

Submission:

Labcorp Genetics (formerly Invitae), Labcorp
Classification: Uncertain significance for Lafora disease. Last evaluated: 2021-06-29. Review status: criteria provided, single submitter. Criteria: Invitae Variant Classification Sherloc (09022015). Collection method: clinical testing. Allele origin: germline.
Comment: This sequence change replaces phenylalanine with cysteine at codon 33 of the NHLRC1 protein (p.Phe33Cys). The phenylalanine residue is highly conserved and there is a large physicochemical difference between phenylalanine and cysteine. This variant is not present in population databases (ExAC no frequency). This variant has not been reported in the literature in individuals affected with NHLRC1-related conditions. Algorithms developed to predict the effect of missense changes on protein structure and function (SIFT, PolyPhen-2, Align-GVGD) all suggest that this variant is likely to be disruptive. This variant disrupts the p.Phe33 amino acid residue in NHLRC1. Other variant(s) that disrupt this residue have been determined to be pathogenic (PMID: 12958597, 15930137). This suggests that this residue is clinically significant, and that variants that disrupt this residue are likely to be disease-causing. In summary, the available evidence is currently insufficient to determine the role of this variant in disease. Therefore, it has been classified as a Variant of Uncertain Significance.

Literature cited by the submitters: PubMed 12958597; PubMed 15930137.

NM_198586.3(NHLRC1):c.98T>G (p.Phe33Cys)

Gene: NHLRC1 (NHL repeat containing E3 ubiquitin protein ligase 1; minus strand). Cytogenetic location: 6p22.3.
Variant type: single nucleotide variant.
Coding change: c.98T>G on transcript NM_198586.3 (MANE Select); coding-DNA position 98, T replaced by G.
Protein change: p.Phe33Cys; replaces phenylalanine 33 with cysteine.
Molecular consequence: missense variant.
Genome position (GRCh38, 1-based): chr6:18,122,509, A>C on the plus strand (T>G on the coding strand, the complement: NHLRC1 is on the minus strand). VCF-style: chr6-18122509-A-C. GRCh37 (hg19) VCF-style: chr6-18122740-A-C.
Other names: short protein forms F33C.
Identifiers: ClinVar variation 1357195 (VCV001357195.6), dbSNP rs757759398, ClinGen allele CA362829547.